The following is an entry in ClinVar:

ClinVar aggregate classification (germline): Pathogenic/Likely pathogenic. Review status: criteria provided, multiple submitters, no conflicts (2 of 4 stars). 3 submissions from 3 submitters: Pathogenic (1); Likely pathogenic (1). 1 of the submissions does not count toward it. Last evaluated 2022-08-16.

Conditions:
Nephronophthisis 15 (NPHP15). Identifiers: Orphanet 3156, MedGen C3541853, MONDO:0013917, OMIM 614845.

Allele frequency attached by ClinVar (database versions not stated): TOPMed 0.00001.
gnomAD v4.1: 12 of 1,613,918 alleles (0.00074%); highest among the groups gnomAD compares: South Asian, 0.0011%; no homozygotes.

Submissions (3):

Labcorp Genetics (formerly Invitae), Labcorp
Classification: Pathogenic for Nephronophthisis 15. Last evaluated: 2022-08-16. Review status: criteria provided, single submitter. Criteria: Invitae Variant Classification Sherloc (09022015). Collection method: clinical testing. Allele origin: germline.
Comment: For these reasons, this variant has been classified as Pathogenic. ClinVar contains an entry for this variant (Variation ID: 992429). This variant has not been reported in the literature in individuals affected with CEP164-related conditions. The frequency data for this variant in the population databases is considered unreliable, as metrics indicate poor data quality at this position in the gnomAD database. This sequence change creates a premature translational stop signal (p.Arg998*) in the CEP164 gene. It is expected to result in an absent or disrupted protein product. Loss-of-function variants in CEP164 are known to be pathogenic (PMID: 22863007, 28125082, 32367404, 34132027, 34499853).

Fulgent Genetics
Classification: Likely pathogenic for Nephronophthisis 15. Last evaluated: 2022-04-07. Review status: criteria provided, single submitter. Criteria: ACMG Guidelines, 2015. Collection method: clinical testing. Allele origin: unknown.

Bioscientia Institut fuer Medizinische Diagnostik GmbH, Sonic Healthcare
Classification: Pathogenic for Nephronophthisis 15. Last evaluated: 2020-02-07. Review status: no assertion criteria provided. Collection method: clinical testing. Allele origin: germline. Affected: yes. Not counted in ClinVar's aggregate classification.

Literature cited by the submitters: PubMed 22863007 (cited by Labcorp Genetics (formerly Invitae), Labcorp); PubMed 28125082 (cited by Labcorp Genetics (formerly Invitae), Labcorp); PubMed 32367404 (cited by Labcorp Genetics (formerly Invitae), Labcorp); PubMed 34132027 (cited by Labcorp Genetics (formerly Invitae), Labcorp); PubMed 34499853 (cited by Labcorp Genetics (formerly Invitae), Labcorp).

NM_014956.5(CEP164):c.2992C>T (p.Arg998Ter)

Gene: CEP164 (centrosomal protein 164; plus strand). Cytogenetic location: 11q23.3.
Variant type: single nucleotide variant.
Coding change: c.2992C>T on transcript NM_014956.5 (MANE Select); coding-DNA position 2992, C replaced by T.
Protein change: p.Arg998Ter; replaces arginine 998 with a stop codon.
Molecular consequence: nonsense.
Genome position (GRCh38, 1-based): chr11:117,395,625, C>T. VCF-style: chr11-117395625-C-T. GRCh37 (hg19) VCF-style: chr11-117266341-C-T.
Other names: c.3001C>T, p.Arg1001Ter (NM_001271933.2); short protein forms R1001*, R998*.
Identifiers: ClinVar variation 992429 (VCV000992429.8), dbSNP rs1323529877, ClinGen allele CA382731761.
Genomic context (GRCh38, chr11:117,395,625, plus strand): 5'-CAGCAGCTGGAGGAGGCACAGAAGGAGCACACCCACCTGTTGCAGTCAAACCAGCAGCTC[C>T]GAGAAATTCTTGATGAGCTGCAGGCCCGCAAGCTGAAGCTGGAGTCCCAAGTGGATCTGC-3'